The following is an entry in ClinVar:

NM_000426.4(LAMA2):c.3880C>T (p.Pro1294Ser)

Gene: LAMA2 (laminin subunit alpha 2; plus strand). Cytogenetic location: 6q22.33.
Variant type: single nucleotide variant.
Coding change: c.3880C>T on transcript NM_000426.4 (MANE Select); coding-DNA position 3880, C replaced by T.
Protein change: p.Pro1294Ser; replaces proline 1294 with serine.
Molecular consequence: missense variant.
Genome position (GRCh38, 1-based): chr6:129,315,906, C>T. VCF-style: chr6-129315906-C-T. GRCh37 (hg19) VCF-style: chr6-129637051-C-T.
Other names: c.3880C>T, p.Pro1294Ser (NM_001079823.2); short protein forms P1294S.
Identifiers: ClinVar variation 1359785 (VCV001359785.8), dbSNP rs2114502459, ClinGen allele CA365613471.

ClinVar aggregate classification (germline): Uncertain significance (1 of 4 stars; one submission).

Conditions:
LAMA2-related muscular dystrophy (LAMA2-RD). Also called: Laminin alpha 2-related dystrophy. Identifiers: MedGen C5679788, MONDO:0100228.

Allele frequency attached by ClinVar (database versions not stated): gnomAD exomes below 0.00001.
gnomAD v4.1: 1 of 1,614,064 alleles (0.000062%); highest among the groups gnomAD compares: Non-Finnish European, 0.000085%; no homozygotes.

Submission:

Labcorp Genetics (formerly Invitae), Labcorp
Classification: Uncertain significance for LAMA2-related muscular dystrophy. Last evaluated: 2023-08-10. Review status: criteria provided, single submitter. Criteria: Invitae Variant Classification Sherloc (09022015). Collection method: clinical testing. Allele origin: germline.
Comment: This sequence change replaces proline, which is neutral and non-polar, with serine, which is neutral and polar, at codon 1294 of the LAMA2 protein (p.Pro1294Ser). This variant is not present in population databases (gnomAD no frequency). This missense change has been observed in individual(s) with dilated cardiomyopathy (PMID: 31983221). ClinVar contains an entry for this variant (Variation ID: 1359785). Advanced modeling of protein sequence and biophysical properties (such as structural, functional, and spatial information, amino acid conservation, physicochemical variation, residue mobility, and thermodynamic stability) performed at Invitae indicates that this missense variant is not expected to disrupt LAMA2 protein function. In summary, the available evidence is currently insufficient to determine the role of this variant in disease. Therefore, it has been classified as a Variant of Uncertain Significance.

Literature cited by the submitters: PubMed 31983221.